The following is an entry in ClinVar:

ClinVar aggregate classification (germline): Uncertain significance (1 of 4 stars; one submission).

Allele frequency attached by ClinVar (database versions not stated): ExAC 0.00001.
gnomAD v4.1: 3 of 1,613,408 alleles (0.00019%); highest among the groups gnomAD compares: Admixed American, 0.005%; no homozygotes.

Submission:

Labcorp Genetics (formerly Invitae), Labcorp
Classification: Uncertain significance. Last evaluated: 2022-04-16. Review status: criteria provided, single submitter. Criteria: Invitae Variant Classification Sherloc (09022015). Collection method: clinical testing. Allele origin: germline.
Comment: This sequence change replaces isoleucine, which is neutral and non-polar, with phenylalanine, which is neutral and non-polar, at codon 61 of the CLDN14 protein (p.Ile61Phe). In summary, the available evidence is currently insufficient to determine the role of this variant in disease. Therefore, it has been classified as a Variant of Uncertain Significance. Algorithms developed to predict the effect of missense changes on protein structure and function are either unavailable or do not agree on the potential impact of this missense change (SIFT: "Deleterious"; PolyPhen-2: "Possibly Damaging"; Align-GVGD: "Class C0"). This variant has not been reported in the literature in individuals affected with CLDN14-related conditions. This variant is present in population databases (rs757334760, gnomAD 0.003%).

NM_001146079.2(CLDN14):c.181A>T (p.Ile61Phe)

Genes: CLDN14 (claudin 14; minus strand), CLDN14-AS1 (CLDN14 antisense RNA 1; plus strand). Cytogenetic location: 21q22.13.
Variant type: single nucleotide variant.
Coding change: c.181A>T on transcript NM_001146079.2 (MANE Select); coding-DNA position 181, A replaced by T.
Protein change: p.Ile61Phe; replaces isoleucine 61 with phenylalanine.
Molecular consequence: missense variant.
Genome position (GRCh38, 1-based): chr21:36,461,515, T>A on the plus strand (A>T on the coding strand, the complement: CLDN14 is on the minus strand). VCF-style: chr21-36461515-T-A. GRCh37 (hg19) VCF-style: chr21-37833813-T-A.
Other names: c.181A>T, p.Ile61Phe (NM_001146077.2, NM_001146078.3, NM_012130.4 and 1 more transcripts); short protein forms I61F.
Identifiers: ClinVar variation 1928820 (VCV001928820.5), dbSNP rs757334760, ClinGen allele CA10019327.
Genomic context (GRCh38, chr21:36,461,515, plus strand): 5'-GGGCAGCCTGGAGGTCTTGGGGCAGCGCCAGCAGGGATCGGTAGATCTGGCACTGGTAGA[T>A]GCCTGTGCTGTGCCACACACACTCCATCCAGAGCCCTTTCAGGTAGGACACGGCCGTGAG-3'
Protein context (NP_001139551.1, residues 51-71): WMECVWHSTG[Ile61Phe]YQCQIYRSLL